The following is an entry in ClinVar:

ClinVar aggregate classification (germline): Uncertain significance. Review status: criteria provided, multiple submitters, no conflicts (2 of 4 stars). 6 submissions from 6 submitters: Uncertain significance (6). Last evaluated 2026-03-05.

Conditions:
Bethlem myopathy 1C (BTHLM1C). Identifiers: MedGen C5935581, MONDO:0958234, OMIM 620726.
Ullrich congenital muscular dystrophy 1A. Also called: Ullrich congenital muscular dystrophy 1; Intermediate COL6-RD. Identifiers: Orphanet 75840, MedGen C0410179, MONDO:0009681, OMIM 254090.
Bethlem myopathy 1A. Also called: Bethlem myopathy 1; MYOPATHY, BENIGN CONGENITAL, WITH CONTRACTURES; Bethlem Muscular Dystrophy. Identifiers: Orphanet 610, MedGen CN029274, MONDO:0024530, OMIM 158810.

Allele frequency attached by ClinVar (database versions not stated): gnomAD exomes 0.00005; ExAC 0.00007; TOPMed 0.00021; gnomAD 0.00025 and 0.00026; ESP Exome Variant Server 0.00031; 1000 Genomes Project 30x 0.00047; 1000 Genomes Project 0.00060.
gnomAD v4.1: 61 of 1,614,060 alleles (0.0038%); highest among the groups gnomAD compares: African/African-American, 0.071%; no homozygotes.

Submissions (6):

Mendelics
Classification: Uncertain significance for Bethlem myopathy 1C. Last evaluated: 2026-03-05. Review status: criteria provided, single submitter. Criteria: ACMG Guidelines, 2015. Collection method: clinical testing. Allele origin: unknown.
Comment: The available evidence is insufficient to conclusively determine the role of this variant. Therefore, it is classified as a Variant of Uncertain Significance.

Labcorp Genetics (formerly Invitae), Labcorp
Classification: Uncertain significance for Bethlem myopathy 1A. Last evaluated: 2026-01-08. Review status: criteria provided, single submitter. Criteria: Invitae Variant Classification Sherloc (09022015). Collection method: clinical testing. Allele origin: germline.
Comment: This sequence change falls in intron 40 of the COL6A3 gene. It does not directly change the encoded amino acid sequence of the COL6A3 protein. It affects a nucleotide within the consensus splice site. This variant is present in population databases (rs190667494, gnomAD 0.08%). This variant has not been reported in the literature in individuals affected with COL6A3-related conditions. ClinVar contains an entry for this variant (Variation ID: 284126). Variants that disrupt the consensus splice site are a relatively common cause of aberrant splicing (PMID: 17576681, 9536098). Algorithms developed to predict the effect of sequence changes on RNA splicing suggest that this variant may disrupt the consensus splice site. In summary, the available evidence is currently insufficient to determine the role of this variant in disease. Therefore, it has been classified as a Variant of Uncertain Significance.

Victorian Clinical Genetics Services, Murdoch Childrens Research Institute
Classification: Uncertain significance for Ullrich congenital muscular dystrophy 1A. Last evaluated: 2021-05-06. Review status: criteria provided, single submitter. Criteria: ACMG Guidelines, 2015. Collection method: clinical testing. Allele origin: germline. Inheritance: Autosomal recessive inheritance. Affected: yes.
Comment: Based on the classification scheme VCGS_Germline_v1.3.4, this variant is classified as VUS-3B. Following criteria are met: 0103 - Dominant negative and loss of function are known mechanisms of disease in this gene. A dominant negative mechanism has been shown to result from missense variants affecting a glycine residue within a Gly-X-Y triple helical repeat, while loss of function is associated with recessive disease due to other missense and protein-truncating variants (OMIM, PMID: 20301676). (I) 0108 - This gene is associated with both recessive and dominant disease. This gene is associated with autosomal recessive dystonia 27 (MIM#616411) and autosomal recessive and dominant Bethlem myopathy 1 (MIM#158810) and Ullrich congenital muscular dystrophy 1 (MIM#254090). (I) 0212 - Non-canonical splice site variant without proven consequence on splicing (no functional evidence available). (SP) 0251 - This variant is heterozygous. (I) 0304 - Variant is present in gnomAD (v3) <0.01 for a recessive condition (37 heterozygotes, 0 homozygotes). (SP) 0508 - In silico predictions for abnormal splicing are conflicting. (I) 0705 - No comparable non-canonical splice site variants have previous evidence for pathogenicity. (I) 0809 - Previous evidence of pathogenicity for this variant is inconclusive. It has been reported as uncertain significance in ClinVar. (I) 0905 - No published segregation evidence has been identified for this variant. (I) 1007 - No published functional evidence has been identified for this variant. (I) Legend: (SP) - Supporting pathogenic, (I) - Information, (SB) - Supporting benign

GeneDx
Classification: Uncertain significance. Last evaluated: 2021-03-17. Review status: criteria provided, single submitter. Criteria: GeneDx Variant Classification Process June 2021. Collection method: clinical testing. Allele origin: germline. Affected: yes.
Comment: In silico analysis supports a deleterious effect on splicing; Has not been previously published as pathogenic or benign to our knowledge

Revvity Omics, Revvity
Classification: Uncertain significance. Last evaluated: 2020-01-30. Review status: criteria provided, single submitter. Criteria: ACMG Guidelines, 2015. Collection method: clinical testing. Allele origin: germline.

Eurofins Ntd Llc (ga)
Classification: Uncertain significance. Last evaluated: 2015-11-03. Review status: criteria provided, single submitter. Criteria: EGL Classification Definitions 2015. Collection method: clinical testing. Allele origin: germline. Observed: 1 variant allele, 1 heterozygote.

Literature cited by the submitters: PubMed 17576681 (cited by Labcorp Genetics (formerly Invitae), Labcorp); PubMed 9536098 (cited by Labcorp Genetics (formerly Invitae), Labcorp); PubMed 20301676 (cited by Victorian Clinical Genetics Services, Murdoch Childrens Research Institute).

NM_004369.4(COL6A3):c.8966-3C>A

Gene: COL6A3 (collagen type VI alpha 3 chain; minus strand). Cytogenetic location: 2q37.3.
Variant type: single nucleotide variant.
Coding change: c.8966-3C>A on transcript NM_004369.4 (MANE Select); 3 bases into the intron before coding-DNA position 8966, C replaced by A.
Molecular consequence: intron variant.
Genome position (GRCh38, 1-based): chr2:237,334,892, G>T on the plus strand (C>A on the coding strand, the complement: COL6A3 is on the minus strand). VCF-style: chr2-237334892-G-T. GRCh37 (hg19) VCF-style: chr2-238243535-G-T.
Other names: c.7145-3C>A (NM_057166.5); c.8348-3C>A (NM_057167.4).
Identifiers: ClinVar variation 284126 (VCV000284126.20), dbSNP rs190667494, ClinGen allele CA2187393.